The following is an entry in ClinVar:

NM_015107.3(PHF8):c.1904G>C (p.Arg635Thr)

Gene: PHF8 (PHD finger protein 8; minus strand). Cytogenetic location: Xp11.22.
Variant type: single nucleotide variant.
Coding change: c.1904G>C on transcript NM_015107.3 (MANE Select); coding-DNA position 1904, G replaced by C.
Protein change: p.Arg635Thr; replaces arginine 635 with threonine.
Molecular consequence: missense variant.
Genome position (GRCh38, 1-based): chrX:53,987,771, C>G on the plus strand (G>C on the coding strand, the complement: PHF8 is on the minus strand). VCF-style: chrX-53987771-C-G. GRCh37 (hg19) VCF-style: chrX-54014204-C-G.
Other names: c.2012G>C, p.Arg671Thr (NM_001184896.1, NM_001441097.1); c.1601G>C, p.Arg534Thr (NM_001184897.2); c.1904G>C, p.Arg635Thr (NM_001184898.2); c.1709G>C, p.Arg570Thr (NM_001441096.1, NM_001441098.1); short protein forms R570T, R534T, R635T, R671T.
Identifiers: ClinVar variation 5009106 (VCV005009106.1).

ClinVar aggregate classification (germline): Uncertain significance (1 of 4 stars; one submission).

Submission:

GeneDx
Classification: Uncertain significance. Last evaluated: 2026-03-12. Review status: criteria provided, single submitter. Criteria: GeneDx Variant Classification Process June 2021. Collection method: clinical testing. Allele origin: germline.
Comment: Not observed at significant frequency in large population cohorts (gnomAD); In silico analysis suggests that this missense variant does not alter protein structure/function; Has not been previously published as pathogenic or benign to our knowledge